The following is an entry in ClinVar:

NM_000208.4(INSR):c.1093G>A (p.Gly365Arg)

Gene: INSR (insulin receptor; minus strand). Cytogenetic location: 19p13.2.
Variant type: single nucleotide variant.
Coding change: c.1093G>A on transcript NM_000208.4 (MANE Select); coding-DNA position 1093, G replaced by A.
Protein change: p.Gly365Arg; replaces glycine 365 with arginine.
Molecular consequence: missense variant.
Genome position (GRCh38, 1-based): chr19:7,174,613, C>T on the plus strand (G>A on the coding strand, the complement: INSR is on the minus strand). VCF-style: chr19-7174613-C-T. GRCh37 (hg19) VCF-style: chr19-7174624-C-T.
Other names: c.1093G>A, p.Gly365Arg (NM_001079817.3); short protein forms G365R.
Identifiers: ClinVar variation 2971004 (VCV002971004.3), dbSNP rs771406570, ClinGen allele CA9135929.

ClinVar aggregate classification (germline): Uncertain significance (1 of 4 stars; one submission).

Allele frequency attached by ClinVar (database versions not stated): gnomAD exomes below 0.00001; ExAC 0.00001.
gnomAD v4.1: 4 of 1,614,042 alleles (0.00025%); highest among the groups gnomAD compares: Admixed American, 0.0017%; no homozygotes.

Submission:

Labcorp Genetics (formerly Invitae), Labcorp
Classification: Uncertain significance. Last evaluated: 2022-12-25. Review status: criteria provided, single submitter. Criteria: Invitae Variant Classification Sherloc (09022015). Collection method: clinical testing. Allele origin: germline.
Comment: This variant has not been reported in the literature in individuals affected with INSR-related conditions. This variant is present in population databases (rs771406570, gnomAD 0.003%). This sequence change replaces glycine, which is neutral and non-polar, with arginine, which is basic and polar, at codon 365 of the INSR protein (p.Gly365Arg). Advanced modeling of protein sequence and biophysical properties (such as structural, functional, and spatial information, amino acid conservation, physicochemical variation, residue mobility, and thermodynamic stability) performed at Invitae indicates that this missense variant is expected to disrupt INSR protein function. In summary, the available evidence is currently insufficient to determine the role of this variant in disease. Therefore, it has been classified as a Variant of Uncertain Significance.